The following is an entry in ClinVar:

ClinVar aggregate classification (germline): Uncertain significance (1 of 4 stars; one submission).

Conditions:
Cardiovascular phenotype. Identifiers: MedGen CN230736.

Submission:

Ambry Genetics
Classification: Uncertain significance for Cardiovascular phenotype. Last evaluated: 2023-05-27. Review status: criteria provided, single submitter. Criteria: Ambry Variant Classification Scheme 2023. Collection method: clinical testing. Allele origin: germline.
Comment: The p.D1274E variant (also known as c.3822T>A), located in coding exon 25 of the MYH6 gene, results from a T to A substitution at nucleotide position 3822. The aspartic acid at codon 1274 is replaced by glutamic acid, an amino acid with highly similar properties. This amino acid position is conserved. In addition, this alteration is predicted to be tolerated by in silico analysis. Since supporting evidence is limited at this time, the clinical significance of this alteration remains unclear.

NM_002471.4(MYH6):c.3822T>A (p.Asp1274Glu)

Gene: MYH6 (myosin heavy chain 6; minus strand). Cytogenetic location: 14q11.2.
Variant type: single nucleotide variant.
Coding change: c.3822T>A on transcript NM_002471.4 (MANE Select); coding-DNA position 3822, T replaced by A.
Protein change: p.Asp1274Glu; replaces aspartic acid 1274 with glutamic acid.
Molecular consequence: missense variant.
Genome position (GRCh38, 1-based): chr14:23,389,630, A>T on the plus strand (T>A on the coding strand, the complement: MYH6 is on the minus strand). VCF-style: chr14-23389630-A-T. GRCh37 (hg19) VCF-style: chr14-23858839-A-T.
Other names: short protein forms D1274E.
Identifiers: ClinVar variation 2567215 (VCV002567215.2), dbSNP rs1595053180, ClinGen allele CA389003425.